The following is an entry in ClinVar:

NM_001134673.4(NFIA):c.2T>C (p.Met1Thr)

Gene: NFIA (nuclear factor I A; plus strand). Cytogenetic location: 1p31.3.
Variant type: single nucleotide variant.
Coding change: c.2T>C on transcript NM_001134673.4 (MANE Select); coding-DNA position 2, T replaced by C.
Protein change: p.Met1Thr; changes the start codon (methionine 1).
Molecular consequence: missense variant, initiator codon variant. On other transcripts: intron variant (1).
Genome position (GRCh38, 1-based): chr1:61,082,793, T>C. VCF-style: chr1-61082793-T-C. GRCh37 (hg19) VCF-style: chr1-61548465-T-C.
Other names: c.137T>C, p.Met46Thr (NM_001145512.2); c.2T>C, p.Met1Thr (NM_005595.5); c.3+5165T>C (NM_001145511.2); c.137T>C (NM_001145512.1); short protein forms M1T, M46T.
Identifiers: ClinVar variation 546320 (VCV000546320.10), dbSNP rs1553148514, ClinGen allele CA340586040.

ClinVar aggregate classification (germline): Conflicting classifications of pathogenicity. Review status: criteria provided, conflicting classifications (1 of 4 stars). 4 submissions from 4 submitters: Pathogenic (1); Likely pathogenic (1); Uncertain significance (2). Last evaluated 2024-07-21.

Conditions:
NFIA-Related Disorder. Also called: NFIA-related condition; NFIA-related disorders. Identifiers: MedGen CN381099.
Inborn genetic diseases. Identifiers: MedGen C0950123, MeSH D030342.
Brain malformations with or without urinary tract defects. Also called: Brain malformations and urinary tract defects. Identifiers: MedGen C4478940, MONDO:0100478, OMIM 613735.

Submissions (4):

GeneDx
Classification: Pathogenic. Last evaluated: 2024-07-21. Review status: criteria provided, single submitter. Criteria: GeneDx Variant Classification Process June 2021. Collection method: clinical testing. Allele origin: germline. Affected: yes.
Comment: Initiation codon variant in a gene for which loss of function is a known mechanism of disease; Not observed at significant frequency in large population cohorts (gnomAD); Has not been previously published as pathogenic or benign to our knowledge

Ambry Genetics
Classification: Uncertain significance for Inborn genetic diseases. Last evaluated: 2024-07-05. Review status: criteria provided, single submitter. Criteria: Ambry Variant Classification Scheme 2023. Collection method: clinical testing. Allele origin: germline.

Juno Genomics, Hangzhou Juno Genomics, Inc
Classification: Uncertain significance for Brain malformations with or without urinary tract defects. Review status: criteria provided, single submitter. Criteria: ACMG Guidelines, 2015. Collection method: clinical testing. Allele origin: germline.
Comment: Absent from controls (or at extremely low frequency if recessive) in Genome Aggregation Database.;Null variant in a gene where loss of function (LOF) is a known mechanism of disease.

Rady Children's Institute for Genomic Medicine, Rady Children's Hospital San Diego
Classification: Likely pathogenic for NFIA-related disorder. Review status: criteria provided, single submitter. Criteria: ACMG Guidelines, 2015. Collection method: clinical testing. Allele origin: germline.
Comment: The c.2T>C (p.Met1?) variant alters the initiator methionine codon in the NFIA gene and is predicted to either cause the loss of protein translation or to lead to an abnormal protein product due to the utilization of an alternate methionine for initiation of translation. This variant results in a c.137T>C (p.Met46Thr) change in an alternate transcript (ENST00000371189; NM_ 001145512.1). Loss-of-function variation in NFIA is an established mechanism of disease (PMID: 27081522, 31194316, 31730271). This variant has not been previously reported or functionally characterized in the literature to our knowledge. Loss-of-function variants further downstream of this variant have been reported as heterozygous changes in patients with NFIA-related disorders (PMID: 27081522, 28941020). The c.2T>C (p.Met1?) variant is absent from the gnomAD population database and thus is presumed to be rare. Based on the available evidence, c.2T>C (p.Met1?) is classified as a Likely Pathogenic.